The following is an entry in ClinVar:

NM_032856.5(WDR73):c.334C>G (p.Gln112Glu)

Gene: WDR73 (WD repeat domain 73; minus strand). Cytogenetic location: 15q25.2.
Variant type: single nucleotide variant.
Coding change: c.334C>G on transcript NM_032856.5 (MANE Select); coding-DNA position 334, C replaced by G.
Protein change: p.Gln112Glu; replaces glutamine 112 with glutamic acid.
Molecular consequence: missense variant. On other transcripts: non-coding transcript variant (4).
Genome position (GRCh38, 1-based): chr15:84,647,908, G>C on the plus strand (C>G on the coding strand, the complement: WDR73 is on the minus strand). VCF-style: chr15-84647908-G-C. GRCh37 (hg19) VCF-style: chr15-85191139-G-C.
Other names: c.334C>G (NM_032856.2); short protein forms Q112E.
Identifiers: ClinVar variation 2172469 (VCV002172469.4), dbSNP rs756843163, ClinGen allele CA7707437.
Genomic context (GRCh38, chr15:84,647,908, plus strand): 5'-CTTTCCTAGAACCCCAAACCCCATCAAGTCAAATTCACTCACCACTGTCCTCTGCAACCT[G>C]CCACACCTGCAGATAACAACCTGGAAGGCCACTGGTAACCAGCAATCTATTCAGAAAAGA-3'
Protein context (NP_116245.2, residues 102-122): GLPGCYLQVW[Gln112Glu]VAEDSDVIKA

ClinVar aggregate classification (germline): Uncertain significance. Review status: criteria provided, multiple submitters, no conflicts (2 of 4 stars). 3 submissions from 3 submitters: Uncertain significance (3). Last evaluated 2024-01-22.

Conditions:
Galloway-Mowat syndrome 1 (GAMOS1). Identifiers: Orphanet 2065, Orphanet 83472, MedGen C4551772, MONDO:0033005, OMIM 251300.
Inborn genetic diseases. Identifiers: MedGen C0950123, MeSH D030342.

gnomAD v4.1: 9 of 1,613,796 alleles (0.00056%); highest among the groups gnomAD compares: African/African-American, 0.0093%; no homozygotes.

Submissions (3):

Fulgent Genetics
Classification: Uncertain significance for Galloway-Mowat syndrome 1. Last evaluated: 2024-01-22. Review status: criteria provided, single submitter. Criteria: ACMG Guidelines, 2015. Collection method: clinical testing. Allele origin: germline.

Ambry Genetics
Classification: Uncertain significance for Inborn genetic diseases. Last evaluated: 2022-12-28. Review status: criteria provided, single submitter. Criteria: Ambry Variant Classification Scheme 2023. Collection method: clinical testing. Allele origin: germline.

Labcorp Genetics (formerly Invitae), Labcorp
Classification: Uncertain significance. Last evaluated: 2022-08-08. Review status: criteria provided, single submitter. Criteria: Invitae Variant Classification Sherloc (09022015). Collection method: clinical testing. Allele origin: germline.
Comment: Algorithms developed to predict the effect of missense changes on protein structure and function are either unavailable or do not agree on the potential impact of this missense change (SIFT: "Tolerated"; PolyPhen-2: "Possibly Damaging"; Align-GVGD: "Class C0"). In summary, the available evidence is currently insufficient to determine the role of this variant in disease. Therefore, it has been classified as a Variant of Uncertain Significance. This variant has not been reported in the literature in individuals affected with WDR73-related conditions. This variant is present in population databases (rs756843163, gnomAD 0.01%). This sequence change replaces glutamine, which is neutral and polar, with glutamic acid, which is acidic and polar, at codon 112 of the WDR73 protein (p.Gln112Glu).